The following is an entry in ClinVar:

ClinVar aggregate classification (germline): Uncertain significance (1 of 4 stars; one submission).

Submission:

Labcorp Genetics (formerly Invitae), Labcorp
Classification: Uncertain significance. Last evaluated: 2023-08-08. Review status: criteria provided, single submitter. Criteria: Invitae Variant Classification Sherloc (09022015). Collection method: clinical testing. Allele origin: germline.
Comment: In summary, the available evidence is currently insufficient to determine the role of this variant in disease. Therefore, it has been classified as a Variant of Uncertain Significance. An algorithm developed to predict the effect of missense changes on protein structure and function (PolyPhen-2) suggests that this variant is likely to be disruptive. This variant has not been reported in the literature in individuals affected with KAT6A-related conditions. This variant is not present in population databases (gnomAD no frequency). This sequence change replaces alanine, which is neutral and non-polar, with valine, which is neutral and non-polar, at codon 979 of the KAT6A protein (p.Ala979Val).

NM_006766.5(KAT6A):c.2936C>T (p.Ala979Val)

Gene: KAT6A (lysine acetyltransferase 6A; minus strand). Cytogenetic location: 8p11.21.
Variant type: single nucleotide variant.
Coding change: c.2936C>T on transcript NM_006766.5 (MANE Select); coding-DNA position 2936, C replaced by T.
Protein change: p.Ala979Val; replaces alanine 979 with valine.
Molecular consequence: missense variant.
Genome position (GRCh38, 1-based): chr8:41,940,945, G>A on the plus strand (C>T on the coding strand, the complement: KAT6A is on the minus strand). VCF-style: chr8-41940945-G-A. GRCh37 (hg19) VCF-style: chr8-41798463-G-A.
Other names: short protein forms A979V.
Identifiers: ClinVar variation 2864626 (VCV002864626.3), dbSNP rs2486770645, ClinGen allele CA371071344.